The following is an entry in ClinVar:

NM_177550.5(SLC13A5):c.732C>T (p.Ser244=)

Gene: SLC13A5 (solute carrier family 13 member 5; minus strand). Cytogenetic location: 17p13.1.
Variant type: single nucleotide variant.
Coding change: c.732C>T on transcript NM_177550.5 (MANE Select); coding-DNA position 732, C replaced by T.
Protein change: p.Ser244=; no amino-acid change (serine 244 retained).
Molecular consequence: synonymous variant.
Genome position (GRCh38, 1-based): chr17:6,701,111, G>A on the plus strand (C>T on the coding strand, the complement: SLC13A5 is on the minus strand). VCF-style: chr17-6701111-G-A. GRCh37 (hg19) VCF-style: chr17-6604430-G-A.
Other names: c.732C>T, p.Ser244= (NM_001143838.3); c.681C>T, p.Ser227= (NM_001284509.2); c.603C>T, p.Ser201= (NM_001284510.2).
Identifiers: ClinVar variation 1879357 (VCV001879357.29), dbSNP rs1360093749, ClinGen allele CA497596428.

ClinVar aggregate classification (germline): Likely benign (1 of 4 stars; one submission).

Allele frequency attached by ClinVar (database versions not stated): gnomAD exomes below 0.00001.
gnomAD v4.1: 6 of 1,614,062 alleles (0.00037%); highest among the groups gnomAD compares: Non-Finnish European, 0.00051%; no homozygotes.

Submission:

CeGaT Center for Human Genetics Tuebingen
Classification: Likely benign. Last evaluated: 2022-11-01. Review status: criteria provided, single submitter. Criteria: CeGaT Center For Human Genetics Tuebingen Variant Classification Criteria Version 2. Collection method: clinical testing. Allele origin: germline. Affected: yes. Observed: 1 variant allele.
Comment: SLC13A5: BP4, BP7